The following is an entry in ClinVar:

ClinVar aggregate classification (germline): Uncertain significance. Review status: criteria provided, multiple submitters, no conflicts (2 of 4 stars). 2 submissions from 2 submitters: Uncertain significance (2). Last evaluated 2025-03-04.

Conditions:
CHARGE syndrome (CHARGE). Also called: Hittner Hirsch Kreh syndrome; CHARGE ASSOCIATION--COLOBOMA, HEART ANOMALY, CHOANAL ATRESIA, RETARDATION, GENITAL AND EAR ANOMALIES; Coloboma, heart anomaly, choanal atresia, retardation, genital and ear anomalies; CHARGE association; Hall-Hittner syndrome. Identifiers: Orphanet 138, MedGen C0265354, MONDO:0008965.
Inborn genetic diseases. Identifiers: MedGen C0950123, MeSH D030342.

Allele frequency attached by ClinVar (database versions not stated): TOPMed below 0.00001; gnomAD exomes 0.00001.
gnomAD v4.1: 5 of 1,613,356 alleles (0.00031%); highest among the groups gnomAD compares: South Asian, 0.0011%; no homozygotes.

Submissions (2):

Labcorp Genetics (formerly Invitae), Labcorp
Classification: Uncertain significance for CHARGE syndrome. Last evaluated: 2025-03-04. Review status: criteria provided, single submitter. Criteria: Invitae Variant Classification Sherloc (09022015). Collection method: clinical testing. Allele origin: germline.
Comment: This sequence change replaces proline, which is neutral and non-polar, with leucine, which is neutral and non-polar, at codon 2045 of the CHD7 protein (p.Pro2045Leu). This variant is present in population databases (no rsID available, gnomAD 0.009%). This variant has not been reported in the literature in individuals affected with CHD7-related conditions. ClinVar contains an entry for this variant (Variation ID: 2467009). Invitae Evidence Modeling of protein sequence and biophysical properties (such as structural, functional, and spatial information, amino acid conservation, physicochemical variation, residue mobility, and thermodynamic stability) has been performed for this missense variant. However, the output from this modeling did not meet the statistical confidence thresholds required to predict the impact of this variant on CHD7 protein function. In summary, the available evidence is currently insufficient to determine the role of this variant in disease. Therefore, it has been classified as a Variant of Uncertain Significance.

Ambry Genetics
Classification: Uncertain significance for Inborn genetic diseases. Last evaluated: 2023-02-15. Review status: criteria provided, single submitter. Criteria: Ambry Variant Classification Scheme 2023. Collection method: clinical testing. Allele origin: germline.

NM_017780.4(CHD7):c.6134C>T (p.Pro2045Leu)

Gene: CHD7 (chromodomain helicase DNA binding protein 7; plus strand). Cytogenetic location: 8q12.2.
Variant type: single nucleotide variant.
Coding change: c.6134C>T on transcript NM_017780.4 (MANE Select); coding-DNA position 6134, C replaced by T.
Protein change: p.Pro2045Leu; replaces proline 2045 with leucine.
Molecular consequence: missense variant. On other transcripts: intron variant (1).
Genome position (GRCh38, 1-based): chr8:60,852,859, C>T. VCF-style: chr8-60852859-C-T. GRCh37 (hg19) VCF-style: chr8-61765418-C-T.
Other names: c.1717-9370C>T (NM_001316690.1); short protein forms P2045L.
Identifiers: ClinVar variation 2467009 (VCV002467009.4), dbSNP rs1391407915, ClinGen allele CA371324296.